The following is an entry in ClinVar:

NM_152515.5(CKAP2L):c.255T>C (p.Thr85=)

Gene: CKAP2L (cytoskeleton associated protein 2L; minus strand). Cytogenetic location: 2q14.1.
Variant type: single nucleotide variant.
Coding change: c.255T>C on transcript NM_152515.5 (MANE Select); coding-DNA position 255, T replaced by C.
Protein change: p.Thr85=; no amino-acid change (threonine 85 retained).
Molecular consequence: synonymous variant. On other transcripts: 5 prime UTR variant (1), non-coding transcript variant (1).
Genome position (GRCh38, 1-based): chr2:112,757,116, A>G on the plus strand (T>C on the coding strand, the complement: CKAP2L is on the minus strand). VCF-style: chr2-112757116-A-G. GRCh37 (hg19) VCF-style: chr2-113514693-A-G.
Other names: c.-241T>C (NM_001304361.2).
Identifiers: ClinVar variation 713678 (VCV000713678.30), dbSNP rs370922282, ClinGen allele CA1836876.
Genomic context (GRCh38, chr2:112,757,116, plus strand): 5'-TGAAGTCAGCCTTTTGCCCAGAAGTTTTGGTGGCTCCAACTTCGGCTTCTGGGACCCTGC[A>G]GTATTAGGTGGTCTGGGCTGGAGTTTAATGCTGATGGACCTTTTAGGTTTGACAGGCAAA-3'
Protein context (NP_689728.3, residues 75-95): SIKLQPRPPN[Thr85=]AGSQKPKLEP

ClinVar aggregate classification (germline): Likely benign. Review status: criteria provided, multiple submitters, no conflicts (2 of 4 stars). 3 submissions from 3 submitters: Likely benign (3). Last evaluated 2025-10-02.

Allele frequency attached by ClinVar (database versions not stated): ExAC 0.00003; TOPMed 0.00003; gnomAD 0.00004; gnomAD exomes 0.00005 and 0.00010; ESP Exome Variant Server 0.00008.
gnomAD v4.1: 151 of 1,614,034 alleles (0.0094%); highest among the groups gnomAD compares: Non-Finnish European, 0.013%; no homozygotes.

Submissions (3):

Labcorp Genetics (formerly Invitae), Labcorp
Classification: Likely benign. Last evaluated: 2025-10-02. Review status: criteria provided, single submitter. Criteria: Invitae Variant Classification Sherloc (09022015). Collection method: clinical testing. Allele origin: germline.

Blueprint Genetics
Classification: Likely benign. Last evaluated: 2024-10-08. Review status: criteria provided, single submitter. Criteria: ACMG Guidelines, 2015. Collection method: clinical testing. Allele origin: germline.

CeGaT Center for Human Genetics Tuebingen
Classification: Likely benign. Last evaluated: 2022-08-01. Review status: criteria provided, single submitter. Criteria: CeGaT Center For Human Genetics Tuebingen Variant Classification Criteria Version 2. Collection method: clinical testing. Allele origin: germline. Affected: yes. Observed: 1 variant allele.
Comment: CKAP2L: BP4, BP7